The following is an entry in ClinVar:

NM_013275.6(ANKRD11):c.226+5C>T

Gene: ANKRD11 (ankyrin repeat domain 11; minus strand). Cytogenetic location: 16q24.3.
Variant type: single nucleotide variant.
Coding change: c.226+5C>T on transcript NM_013275.6 (MANE Select); 5 bases into the intron after coding-DNA position 226, C replaced by T.
Molecular consequence: intron variant.
Genome position (GRCh38, 1-based): chr16:89,305,201, G>A on the plus strand (C>T on the coding strand, the complement: ANKRD11 is on the minus strand). VCF-style: chr16-89305201-G-A. GRCh37 (hg19) VCF-style: chr16-89371609-G-A.
Other names: c.226+5C>T (NM_001256183.2, NM_001256182.2).
Identifiers: ClinVar variation 3707132 (VCV003707132.3).

ClinVar aggregate classification (germline): Conflicting classifications of pathogenicity. Review status: criteria provided, conflicting classifications (1 of 4 stars). 2 submissions from 2 submitters: Uncertain significance (1); Likely benign (1). Last evaluated 2024-10-16.

Conditions:
KBG syndrome (KBGS). Also called: ANKRD11-Related KBG Syndrome. Identifiers: Orphanet 2332, MedGen C0220687, MONDO:0007846, OMIM 148050.

gnomAD v4.1: 5 of 1,611,386 alleles (0.00031%); highest among the groups gnomAD compares: African/African-American, 0.0067%; no homozygotes.

Submissions (2):

Labcorp Genetics (formerly Invitae), Labcorp
Classification: Uncertain significance for KBG syndrome. Last evaluated: 2024-10-16. Review status: criteria provided, single submitter. Criteria: Invitae Variant Classification Sherloc (09022015). Collection method: clinical testing. Allele origin: germline.
Comment: This sequence change falls in intron 4 of the ANKRD11 gene. It does not directly change the encoded amino acid sequence of the ANKRD11 protein. It affects a nucleotide within the consensus splice site. This variant is present in population databases (rs762062403, gnomAD 0.02%). This variant has not been reported in the literature in individuals affected with ANKRD11-related conditions. Variants that disrupt the consensus splice site are a relatively common cause of aberrant splicing (PMID: 17576681, 9536098). Algorithms developed to predict the effect of sequence changes on RNA splicing suggest that this variant is not likely to affect RNA splicing. In summary, the available evidence is currently insufficient to determine the role of this variant in disease. Therefore, it has been classified as a Variant of Uncertain Significance.

Blueprint Genetics
Classification: Likely benign. Last evaluated: 2023-03-21. Review status: criteria provided, single submitter. Criteria: ACMG Guidelines, 2015. Collection method: clinical testing. Allele origin: germline.

Literature cited by the submitters: PubMed 17576681 (cited by Labcorp Genetics (formerly Invitae), Labcorp); PubMed 9536098 (cited by Labcorp Genetics (formerly Invitae), Labcorp).